The following is an entry in ClinVar:

ClinVar aggregate classification (germline): Pathogenic (1 of 4 stars; one submission).

Conditions:
Familial hypobetalipoproteinemia 1. Also called: APOB-Related Familial Hypobetalipoproteinemia; Hypobetalipoproteinemia, normotriglyceridemic; Acanthocytosis with hypobetalipoproteinemia. Identifiers: MedGen C4551990, MONDO:0014252, OMIM 615558.
Hypercholesterolemia, autosomal dominant, type B (FHCL2). Also called: Familial Hypercholesterolemia Type B; APOLIPOPROTEIN B-100, FAMILIAL DEFECTIVE; APOLIPOPROTEIN B-100, FAMILIAL LIGAND-DEFECTIVE; HYPERCHOLESTEROLEMIA, FAMILIAL, DUE TO LIGAND-DEFECTIVE APOLIPOPROTEIN B; Hyperlipoproteinemia Type IIb; Familial hypercholesterolemia 2. Identifiers: MedGen C1704417, MONDO:0007751, OMIM 144010.

Submission:

Labcorp Genetics (formerly Invitae), Labcorp
Classification: Pathogenic for Familial hypobetalipoproteinemia 1; Hypercholesterolemia, autosomal dominant, type B. Last evaluated: 2023-04-06. Review status: criteria provided, single submitter. Criteria: Invitae Variant Classification Sherloc (09022015). Collection method: clinical testing. Allele origin: germline.
Comment: This sequence change creates a premature translational stop signal (p.Gly1861Valfs*21) in the APOB gene. It is expected to result in an absent or disrupted protein product. Loss-of-function variants in APOB are known to be pathogenic (PMID: 20032471). This variant is not present in population databases (gnomAD no frequency). This variant has not been reported in the literature in individuals affected with APOB-related conditions. For these reasons, this variant has been classified as Pathogenic.

Literature cited by the submitters: PubMed 20032471.

NM_000384.3(APOB):c.5582del (p.Gly1861fs)

Gene: APOB (apolipoprotein B; minus strand). Cytogenetic location: 2p24.1.
Variant type: Deletion.
Coding change: c.5582del on transcript NM_000384.3 (MANE Select); coding-DNA position 5582, one base deleted (G; older notation c.5582delG).
Protein change: p.Gly1861fs; shifts the reading frame from glycine 1861.
Molecular consequence: frameshift variant.
Genome position (GRCh38, 1-based): chr2:21,011,286, C deleted on the plus strand (G on the coding strand, the reverse complement: APOB is on the minus strand); the first of 3 consecutive C bases (chr2:21,011,286-21,011,288); deleting any one gives the same sequence. VCF-style (leftmost placement, unchanged base first): chr2-21011285-AC-A. GRCh37 (hg19) VCF-style: chr2-21234157-AC-A.
Other names: short protein forms G1861fs.
Identifiers: ClinVar variation 2946216 (VCV002946216.3), dbSNP rs2465374342, ClinGen allele CA2740092727.